The following is an entry in ClinVar:

NM_024675.4(PALB2):c.1813T>A (p.Ser605Thr)

Gene: PALB2 (partner and localizer of BRCA2; minus strand). Cytogenetic location: 16p12.2.
Variant type: single nucleotide variant.
Coding change: c.1813T>A on transcript NM_024675.4 (MANE Select); coding-DNA position 1813, T replaced by A.
Protein change: p.Ser605Thr; replaces serine 605 with threonine.
Molecular consequence: missense variant. On other transcripts: intron variant (1).
Genome position (GRCh38, 1-based): chr16:23,630,341, A>T on the plus strand (T>A on the coding strand, the complement: PALB2 is on the minus strand). VCF-style: chr16-23630341-A-T. GRCh37 (hg19) VCF-style: chr16-23641662-A-T.
Other names: c.1753T>A, p.Ser585Thr (NM_001407296.1); c.1813T>A, p.Ser605Thr (NM_001407297.1, NM_001407298.1, NM_001407299.1 and 3 more transcripts); c.928T>A, p.Ser310Thr (NM_001407304.1, NM_001407305.1, NM_001407306.1 and 5 more transcripts); c.25T>A, p.Ser9Thr (NM_001407312.1, NM_001407313.1); c.49-1066T>A (NM_001407314.1); short protein forms S9T, S310T, S605T, S585T.
Identifiers: ClinVar variation 5026166 (VCV005026166.1).
Genomic context (GRCh38, chr16:23,630,341, plus strand): 5'-CAAGCTTAAGAGGTCCAAAGTCTTCATCAGGTAACTGAAAGTCTGTGATACTGAGAAAAG[A>T]CAGTAGTTGCTTTAAACTCAGCATTCCATCCCTATGAAATGGAGCCGTGAAAGCATCATC-3'
Protein context (NP_078951.2, residues 595-615): DGMLSLKQLL[Ser605Thr]FLSITDFQLP

ClinVar aggregate classification (germline): Uncertain significance (1 of 4 stars; one submission).

Conditions:
Hereditary cancer-predisposing syndrome. Also called: Neoplastic Syndromes, Hereditary; Tumor predisposition; Hereditary neoplastic syndrome; Hereditary Cancer Syndrome. Identifiers: Orphanet 140162, MedGen C0027672, MeSH D009386, MONDO:0015356.

Submission:

Ambry Genetics
Classification: Uncertain significance for Hereditary cancer-predisposing syndrome. Last evaluated: 2026-07-07. Review status: criteria provided, single submitter. Criteria: Ambry Variant Classification Scheme 2023. Collection method: clinical testing. Allele origin: germline.
Comment: The p.S605T variant (also known as c.1813T>A), located in coding exon 5 of the PALB2 gene, results from a T to A substitution at nucleotide position 1813. The serine at codon 605 is replaced by threonine, an amino acid with similar properties. This amino acid position is conserved. In addition, this alteration is predicted to be tolerated by in silico analysis. Based on the available evidence, the clinical significance of this variant remains unclear.